The following is an entry in ClinVar:

NM_001272071.2(AP1S2):c.240G>A (p.Leu80=)

Gene: AP1S2 (adaptor related protein complex 1 subunit sigma 2; minus strand). Cytogenetic location: Xp22.2.
Variant type: single nucleotide variant.
Coding change: c.240G>A on transcript NM_001272071.2 (MANE Select); coding-DNA position 240, G replaced by A.
Protein change: p.Leu80=; no amino-acid change (leucine 80 retained).
Molecular consequence: synonymous variant. On other transcripts: non-coding transcript variant (2).
Genome position (GRCh38, 1-based): chrX:15,845,951, C>T on the plus strand (G>A on the coding strand, the complement: AP1S2 is on the minus strand). VCF-style: chrX-15845951-C-T. GRCh37 (hg19) VCF-style: chrX-15864074-C-T.
Other names: c.240G>A, p.Leu80= (NM_001368994.1, NM_001369007.1, NM_001369008.1 and 1 more transcripts).
Identifiers: ClinVar variation 2660061 (VCV002660061.24), dbSNP rs912444495, ClinGen allele CA327137587.
Genomic context (GRCh38, chrX:15,845,951, plus strand): 5'-AATACTACTCACACTGCCGAAATACTTGTCAAGTAATTCCACATAACGATGAATTATTTC[C>T]AGGGTAATTAGTTCATTGTCCTGATCCTCAATAGCACAGCAAAAATACAGACTAGCATAT-3'
Protein context (NP_001259000.1, residues 70-90): IEDQDNELIT[Leu80=]EIIHRYVELL

ClinVar aggregate classification (germline): Uncertain significance (1 of 4 stars; one submission).

Allele frequency attached by ClinVar (database versions not stated): gnomAD exomes 0.00001; TOPMed 0.00001.
gnomAD v4.1: 7 of 1,205,181 alleles (0.00058%); highest among the groups gnomAD compares: Non-Finnish European, 0.00067%; no homozygotes.

Submission:

CeGaT Center for Human Genetics Tuebingen
Classification: Uncertain significance. Last evaluated: 2023-08-01. Review status: criteria provided, single submitter. Criteria: CeGaT Center For Human Genetics Tuebingen Variant Classification Criteria Version 2. Collection method: clinical testing. Allele origin: germline. Affected: yes. Observed: 1 variant allele.
Comment: AP1S2: PM2:Supporting, BP4